The following is an entry in ClinVar:

NM_020884.7(MYH7B):c.737G>A (p.Arg246His)

Gene: MYH7B (myosin heavy chain 7B; plus strand). Cytogenetic location: 20q11.22.
Variant type: single nucleotide variant.
Coding change: c.737G>A on transcript NM_020884.7 (MANE Select); coding-DNA position 737, G replaced by A.
Protein change: p.Arg246His; replaces arginine 246 with histidine.
Molecular consequence: missense variant.
Genome position (GRCh38, 1-based): chr20:34,984,942, G>A. VCF-style: chr20-34984942-G-A. GRCh37 (hg19) VCF-style: chr20-33572745-G-A.
Other names: short protein forms R246H.
Identifiers: ClinVar variation 4750788 (VCV004750788.1).

ClinVar aggregate classification (germline): Uncertain significance (1 of 4 stars; one submission).

Submission:

Labcorp Genetics (formerly Invitae), Labcorp
Classification: Uncertain significance. Last evaluated: 2025-11-24. Review status: criteria provided, single submitter. Criteria: Invitae Variant Classification Sherloc (09022015). Collection method: clinical testing. Allele origin: germline.
Comment: This sequence change replaces arginine, which is basic and polar, with histidine, which is basic and polar, at codon 288 of the MYH7B protein (p.Arg288His). This variant is present in population databases (rs773877349, gnomAD 0.0009%). This variant has not been reported in the literature in individuals affected with MYH7B-related conditions. Invitae Evidence Modeling of protein sequence and biophysical properties (such as structural, functional, and spatial information, amino acid conservation, physicochemical variation, residue mobility, and thermodynamic stability) indicates that this missense variant is expected to disrupt MYH7B protein function with a positive predictive value of 80%. In summary, the available evidence is currently insufficient to determine the role of this variant in disease. Therefore, it has been classified as a Variant of Uncertain Significance.